The following is an entry in ClinVar:

NM_032119.4(ADGRV1):c.1198T>C (p.Phe400Leu)

Gene: ADGRV1 (adhesion G protein-coupled receptor V1; plus strand). Cytogenetic location: 5q14.3.
Variant type: single nucleotide variant.
Coding change: c.1198T>C on transcript NM_032119.4 (MANE Select); coding-DNA position 1198, T replaced by C.
Protein change: p.Phe400Leu; replaces phenylalanine 400 with leucine.
Molecular consequence: missense variant. On other transcripts: non-coding transcript variant (1).
Genome position (GRCh38, 1-based): chr5:90,627,736, T>C. VCF-style: chr5-90627736-T-C. GRCh37 (hg19) VCF-style: chr5-89923553-T-C.
Other names: short protein forms F400L.
Identifiers: ClinVar variation 1362189 (VCV001362189.5), dbSNP rs756750210, ClinGen allele CA3338624.
Genomic context (GRCh38, chr5:90,627,736, plus strand): 5'-CAAGTCACCATTAAGCCAAATGATAAACCTTATGGAGTCCTTTCATTCAACAGTGTTTTG[T>C]TTGAAAGGACAGTTATAATTGATGAAGATAGAATATCAAGGTATGATTTATTTTAAATAT-3'
Protein context (NP_115495.3, residues 390-410): YGVLSFNSVL[Phe400Leu]ERTVIIDEDR

ClinVar aggregate classification (germline): Uncertain significance (1 of 4 stars; one submission).

Allele frequency attached by ClinVar (database versions not stated): gnomAD exomes below 0.00001; ExAC 0.00001.
gnomAD v4.1: 2 of 1,587,830 alleles (0.00013%); highest among the groups gnomAD compares: Admixed American, 0.0018%; no homozygotes.

Submission:

Labcorp Genetics (formerly Invitae), Labcorp
Classification: Uncertain significance. Last evaluated: 2022-10-28. Review status: criteria provided, single submitter. Criteria: Invitae Variant Classification Sherloc (09022015). Collection method: clinical testing. Allele origin: germline.
Comment: This sequence change replaces phenylalanine, which is neutral and non-polar, with leucine, which is neutral and non-polar, at codon 400 of the ADGRV1 protein (p.Phe400Leu). This variant is present in population databases (rs756750210, gnomAD 0.003%). This variant has not been reported in the literature in individuals affected with ADGRV1-related conditions. ClinVar contains an entry for this variant (Variation ID: 1362189). Advanced modeling of protein sequence and biophysical properties (such as structural, functional, and spatial information, amino acid conservation, physicochemical variation, residue mobility, and thermodynamic stability) performed at Invitae indicates that this missense variant is not expected to disrupt ADGRV1 protein function. In summary, the available evidence is currently insufficient to determine the role of this variant in disease. Therefore, it has been classified as a Variant of Uncertain Significance.